The following is an entry in ClinVar:

NM_003659.4(AGPS):c.97_98insCGGGCC (p.Asp32_Arg33insProGly)

Genes: AGPS (alkylglycerone phosphate synthase; plus strand), LOC129935172 (ATAC-STARR-seq lymphoblastoid silent region 12147; plus strand). Cytogenetic location: 2q31.2.
Variant type: Insertion.
Coding change: c.97_98insCGGGCC on transcript NM_003659.4 (MANE Select); coding-DNA positions 97 to 98, CGGGCC inserted.
Protein change: p.Asp32_Arg33insProGly.
Molecular consequence: inframe insertion.
Genome position: GRCh38 VCF-style: chr2-177392884-A-ACCCGGG. GRCh37 (hg19) VCF-style: chr2-178257612-A-ACCCGGG.
Identifiers: ClinVar variation 2078247 (VCV002078247.2), dbSNP rs775118862, ClinGen allele CA1980007.
Genomic context (GRCh38, chr2:177,392,884, plus strand): 5'-GCTTGGGCGCGGGCGCGAGCTACGGGTCTGCAGCGGACCGGGACCGGGACCCGGACCCGG[A>ACCCGGG]CCGCGCCGGGCGGAGGCTGCGGGTTCTCTCTGGCCATCTGCTGGGCCGGCCCCGGGAGGC-3'

ClinVar aggregate classification (germline): Uncertain significance. Review status: criteria provided, multiple submitters, no conflicts (2 of 4 stars). 2 submissions from 2 submitters: Uncertain significance (2). Last evaluated 2023-08-01.

Submissions (2):

GeneDx
Classification: Uncertain significance. Last evaluated: 2023-08-01. Review status: criteria provided, single submitter. Criteria: GeneDx Variant Classification Process June 2021. Collection method: clinical testing. Allele origin: germline. Affected: yes.
Comment: Has not been previously published as pathogenic or benign to our knowledge; In-frame insertion of 2 amino acids in a non-repeat region

Labcorp Genetics (formerly Invitae), Labcorp
Classification: Uncertain significance. Last evaluated: 2022-09-28. Review status: criteria provided, single submitter. Criteria: Invitae Variant Classification Sherloc (09022015). Collection method: clinical testing. Allele origin: germline.
Comment: This variant, c.97_98insCGGGCC, results in the insertion of 2 amino acid(s) of the AGPS protein (p.Asp32_Arg33insProGly), but otherwise preserves the integrity of the reading frame. This variant is present in population databases (rs775118862, gnomAD 0.08%). This variant has not been reported in the literature in individuals affected with AGPS-related conditions. Experimental studies and prediction algorithms are not available or were not evaluated, and the functional significance of this variant is currently unknown. In summary, the available evidence is currently insufficient to determine the role of this variant in disease. Therefore, it has been classified as a Variant of Uncertain Significance.